The following is an entry in ClinVar:

NM_001105247.2(ARMC5):c.2378G>A (p.Arg793Gln)

Gene: ARMC5 (armadillo repeat containing 5; plus strand). Cytogenetic location: 16p11.2.
Variant type: single nucleotide variant.
Coding change: c.2378G>A on transcript NM_001105247.2 (MANE Select); coding-DNA position 2378, G replaced by A.
Protein change: p.Arg793Gln; replaces arginine 793 with glutamine.
Molecular consequence: missense variant. On other transcripts: 3 prime UTR variant (1).
Genome position (GRCh38, 1-based): chr16:31,466,459, G>A. VCF-style: chr16-31466459-G-A. GRCh37 (hg19) VCF-style: chr16-31477780-G-A.
Other names: c.2663G>A, p.Arg888Gln (NM_001288767.2); c.2474G>A, p.Arg825Gln (NM_001301820.1); c.*1258G>A (NM_024742.2); c.2663G>A (NM_001288767.1); short protein forms R793Q, R825Q, R888Q.
Identifiers: ClinVar variation 1206296 (VCV001206296.4), dbSNP rs199498431, ClinGen allele CA8030024.
Genomic context (GRCh38, chr16:31,466,459, plus strand): 5'-TCTTCCGGGCCCTGCTGTCAGGCAGCTTTGCAGAAGCCCAGATGGACCTGGTGCCCCTGC[G>A]AGGTCTGTCGCCTGGTGCAGCCTGGCCTGTCCTGCATCATTTGCATGGTTGTCGGGGGTG-3'
Protein context (NP_001098717.1, residues 783-803): AEAQMDLVPL[Arg793Gln]GLSPGAAWPV

ClinVar aggregate classification (germline): Conflicting classifications of pathogenicity. Review status: criteria provided, conflicting classifications (1 of 4 stars). 4 submissions from 4 submitters: Uncertain significance (1); Likely benign (1). 2 of the submissions do not count toward it. Last evaluated 2026-09-11.

Conditions:
ACTH-independent macronodular adrenal hyperplasia 2. Also called: PRIMARY MACRONODULAR ADRENAL HYPERPLASIA. Identifiers: Orphanet 189427, MedGen C4014803, MONDO:0014416, OMIM 615954.
ARMC5-related disorder. Also called: ARMC5-related condition.

Allele frequency attached by ClinVar (database versions not stated): 1000 Genomes Project 30x 0.00016; ESP Exome Variant Server 0.00016; 1000 Genomes Project 0.00020; ExAC 0.00020; gnomAD exomes 0.00021 and 0.00057; TOPMed 0.00026; gnomAD 0.00029 and 0.00030.

Submissions (4):

PreventionGenetics, part of Exact Sciences
Classification: Uncertain significance for ARMC5-related condition. Last evaluated: 2026-09-11. Review status: criteria provided, single submitter. Criteria: ACMG Guidelines, 2015. Collection method: clinical testing. Allele origin: germline.
Comment: The ARMC5 c.2663G>A variant is predicted to result in the amino acid substitution p.Arg888Gln. To our knowledge, this variant has not been reported in the literature. This variant is reported in 0.040% of alleles in individuals of European (Non-Finnish) descent in gnomAD and has conflicting interpretations in ClinVar ranging from likely benign to uncertain (Variation ID: 1206296). Although we suspect that this variant may be benign, at this time, the clinical significance of this variant is uncertain due to the absence of conclusive functional and genetic evidence.

Department of Pathology and Laboratory Medicine, Sinai Health System
Classification: Likely benign for ACTH-independent macronodular adrenal hyperplasia 2. Last evaluated: 2020-05-01. Review status: criteria provided, single submitter. Criteria: ACMG Guidelines, 2015. Collection method: research. Allele origin: germline.

Clinical Genetics DNA and cytogenetics Diagnostics Lab, Erasmus MC, Erasmus Medical Center
Classification: Uncertain significance. Review status: no assertion criteria provided. Collection method: clinical testing. Allele origin: germline. Affected: yes. Study: VKGL Data-share Consensus. Not counted in ClinVar's aggregate classification.

Laboratory of Diagnostic Genome Analysis, Leiden University Medical Center (LUMC)
Classification: Uncertain significance. Review status: no assertion criteria provided. Collection method: clinical testing. Allele origin: germline. Affected: yes. Study: VKGL Data-share Consensus. Not counted in ClinVar's aggregate classification.